The following is an entry in ClinVar:

ClinVar aggregate classification (germline): Uncertain significance. Review status: criteria provided, multiple submitters, no conflicts (2 of 4 stars). 3 submissions from 3 submitters: Uncertain significance (3). Last evaluated 2024-11-19.

Conditions:
Imerslund-Grasbeck syndrome type 1 (IGS1). Also called: Megaloblastic anemia 1, Finnish type; MEGALOBLASTIC ANEMIA, 1; Imerslund-Gräsbeck syndrome 1. Identifiers: MedGen C4016819, MONDO:0100156, OMIM 261100.
Proteinuria, chronic benign. Identifiers: MedGen C5394384, MONDO:0030042, OMIM 618884.
Imerslund-Grasbeck syndrome. Also called: PERNICIOUS ANEMIA, JUVENILE, DUE TO SELECTIVE INTESTINAL MALABSORPTION OF VITAMIN B12, WITH PROTEINURIA; Imerslund-Gräsbeck syndrome; Megaloblastic anemia due to inborn errors of metabolism; ENTEROCYTE COBALAMIN MALABSORPTION; ENTEROCYTE INTRINSIC FACTOR RECEPTOR, DEFECT OF. Identifiers: Orphanet 35858, MedGen C4551825, MONDO:0009853.

Allele frequency attached by ClinVar (database versions not stated): ESP Exome Variant Server 0.00008; gnomAD 0.00009; TOPMed 0.00009; gnomAD exomes 0.00010; ExAC 0.00011; 1000 Genomes Project 0.00020; 1000 Genomes Project 30x 0.00031.
gnomAD v4.1: 215 of 1,613,712 alleles (0.013%); highest among the groups gnomAD compares: Non-Finnish European, 0.017%; no homozygotes.

Submissions (3):

Blueprint Genetics
Classification: Uncertain significance. Last evaluated: 2024-11-19. Review status: criteria provided, single submitter. Criteria: ACMG Guidelines, 2015. Collection method: clinical testing. Allele origin: germline.

Labcorp Genetics (formerly Invitae), Labcorp
Classification: Uncertain significance for Imerslund-Grasbeck syndrome. Last evaluated: 2023-12-06. Review status: criteria provided, single submitter. Criteria: Invitae Variant Classification Sherloc (09022015). Collection method: clinical testing. Allele origin: germline.
Comment: This sequence change replaces aspartic acid, which is acidic and polar, with asparagine, which is neutral and polar, at codon 3451 of the CUBN protein (p.Asp3451Asn). This variant is present in population databases (rs145661638, gnomAD 0.02%). This variant has not been reported in the literature in individuals affected with CUBN-related conditions. ClinVar contains an entry for this variant (Variation ID: 532200). Advanced modeling of protein sequence and biophysical properties (such as structural, functional, and spatial information, amino acid conservation, physicochemical variation, residue mobility, and thermodynamic stability) performed at Invitae indicates that this missense variant is not expected to disrupt CUBN protein function with a negative predictive value of 80%. In summary, the available evidence is currently insufficient to determine the role of this variant in disease. Therefore, it has been classified as a Variant of Uncertain Significance.

Fulgent Genetics
Classification: Uncertain significance for Imerslund-Grasbeck syndrome type 1; Proteinuria, chronic benign. Last evaluated: 2022-01-27. Review status: criteria provided, single submitter. Criteria: ACMG Guidelines, 2015. Collection method: clinical testing. Allele origin: unknown.

NM_001081.4(CUBN):c.10351G>A (p.Asp3451Asn)

Gene: CUBN (cubilin; minus strand). Cytogenetic location: 10p13.
Variant type: single nucleotide variant.
Coding change: c.10351G>A on transcript NM_001081.4 (MANE Select); coding-DNA position 10351, G replaced by A.
Protein change: p.Asp3451Asn; replaces aspartic acid 3451 with asparagine.
Molecular consequence: missense variant.
Genome position (GRCh38, 1-based): chr10:16,835,025, C>T on the plus strand (G>A on the coding strand, the complement: CUBN is on the minus strand). VCF-style: chr10-16835025-C-T. GRCh37 (hg19) VCF-style: chr10-16877024-C-T.
Other names: short protein forms D3451N.
Identifiers: ClinVar variation 532200 (VCV000532200.9), dbSNP rs145661638, ClinGen allele CA5422400.